The following is an entry in ClinVar:

ClinVar aggregate classification (germline): Uncertain significance (1 of 4 stars; one submission).

Conditions:
GATA binding protein 1 related thrombocytopenia with dyserythropoiesis. Also called: GATA1-Related X-Linked Cytopenia; GATA1-Related Cytopenia. Identifiers: MedGen C1845837, MONDO:0100089.
Diamond-Blackfan anemia. Also called: Blackfan Diamond syndrome; Aregenerative anemia chronic congenital; Red cell aplasia, pure hereditary; Congenital hypoplastic anemia; Aase syndrome. Identifiers: Orphanet 124, MedGen C1260899, MeSH D029503, MONDO:0015253, HP:0004810.

Submission:

Labcorp Genetics (formerly Invitae), Labcorp
Classification: Uncertain significance for GATA binding protein 1 related thrombocytopenia with dyserythropoiesis; Diamond-Blackfan anemia. Last evaluated: 2024-11-03. Review status: criteria provided, single submitter. Criteria: Invitae Variant Classification Sherloc (09022015). Collection method: clinical testing. Allele origin: germline.
Comment: This sequence change replaces glycine, which is neutral and non-polar, with glutamic acid, which is acidic and polar, at codon 347 of the GATA1 protein (p.Gly347Glu). This variant is not present in population databases (gnomAD no frequency). This variant has not been reported in the literature in individuals affected with GATA1-related conditions. Invitae Evidence Modeling of protein sequence and biophysical properties (such as structural, functional, and spatial information, amino acid conservation, physicochemical variation, residue mobility, and thermodynamic stability) has been performed for this missense variant. However, the output from this modeling did not meet the statistical confidence thresholds required to predict the impact of this variant on GATA1 protein function. Algorithms developed to predict the effect of sequence changes on RNA splicing suggest that this variant may create or strengthen a splice site. In summary, the available evidence is currently insufficient to determine the role of this variant in disease. Therefore, it has been classified as a Variant of Uncertain Significance.

NM_002049.4(GATA1):c.1040G>A (p.Gly347Glu)

Gene: GATA1 (GATA binding protein 1; plus strand). Cytogenetic location: Xp11.23.
Variant type: single nucleotide variant.
Coding change: c.1040G>A on transcript NM_002049.4 (MANE Select); coding-DNA position 1040, G replaced by A.
Protein change: p.Gly347Glu; replaces glycine 347 with glutamic acid.
Molecular consequence: missense variant.
Genome position (GRCh38, 1-based): chrX:48,793,962, G>A. VCF-style: chrX-48793962-G-A. GRCh37 (hg19) VCF-style: chrX-48652369-G-A.
Other names: short protein forms G347E.
Identifiers: ClinVar variation 3752122 (VCV003752122.2).
Genomic context (GRCh38, chrX:48,793,962, plus strand): 5'-CCGAAGGACCAGCTGGTGGCTTTATGGTGGTGGCTGGGGGCAGCGGTAGCGGGAATTGTG[G>A]GGAGGTGGCTTCAGGCCTGACACTGGGCCCCCCAGGTACTGCCCATCTCTACCAAGGCCT-3'
Protein context (NP_002040.1, residues 337-357): VAGGSGSGNC[Gly347Glu]EVASGLTLGP